The following is an entry in ClinVar:

NM_024642.5(GALNT12):c.1A>C (p.Met1Leu)

Gene: GALNT12 (polypeptide N-acetylgalactosaminyltransferase 12; plus strand). Cytogenetic location: 9q22.33.
Variant type: single nucleotide variant.
Coding change: c.1A>C on transcript NM_024642.5 (MANE Select); coding-DNA position 1, A replaced by C.
Protein change: p.Met1Leu; changes the start codon (methionine 1).
Molecular consequence: missense variant, initiator codon variant.
Genome position (GRCh38, 1-based): chr9:98,807,699, A>C. VCF-style: chr9-98807699-A-C. GRCh37 (hg19) VCF-style: chr9-101569981-A-C.
Other names: short protein forms M1L.
Identifiers: ClinVar variation 820494 (VCV000820494.17), dbSNP rs1259048855, ClinGen allele CA374221963.

ClinVar aggregate classification (germline): Uncertain significance. Review status: criteria provided, multiple submitters, no conflicts (2 of 4 stars). 5 submissions from 5 submitters: Uncertain significance (5). Last evaluated 2025-05-28.

Conditions:
Colorectal cancer, susceptibility to, 1. Also called: COLORECTAL ADENOMA AND CANCER, SUSCEPTIBILITY TO; COLORECTAL CANCER, SUSCEPTIBILITY TO, ON CHROMOSOME 9. Identifiers: MedGen C1837315, MONDO:0012132, OMIM 608812.

Allele frequency attached by ClinVar (database versions not stated): TOPMed 0.00001.

Submissions (5):

Quest Diagnostics Nichols Institute San Juan Capistrano
Classification: Uncertain significance. Last evaluated: 2025-05-28. Review status: criteria provided, single submitter. Criteria: Quest Diagnostics criteria. Collection method: clinical testing. Allele origin: unknown.
Comment: The GALNT12 c.1A>C variant disrupts the translation initiation codon of the GALNT12 mRNA and is predicted to interfere with GALNT12 protein synthesis. This variant has not been reported in individuals with GALNT12-related conditions in the published literature. However, a published experimental study has suggested that disruption of the initiator codon affects GALNT12 enzyme activity (PMID: 19617566 (2009)). The frequency of this variant in the general population (Genome Aggregation Database) is uninformative in the assessment of its pathogenicity). Since the available gene level evidence is currently insufficient to determine the role of this gene and variant in disease (ClinGen Hereditary Cancer Gene Curation Expert Panel), we are unable to determine the clinical significance of this variant.

Fulgent Genetics
Classification: Uncertain significance for Colorectal cancer, susceptibility to, 1. Last evaluated: 2024-03-28. Review status: criteria provided, single submitter. Criteria: ACMG Guidelines, 2015. Collection method: clinical testing. Allele origin: germline.

Ambry Genetics
Classification: Uncertain significance. Last evaluated: 2023-11-22. Review status: criteria provided, single submitter. Criteria: Ambry Variant Classification Scheme 2023. Collection method: clinical testing. Allele origin: germline.
Comment: The p.M1? variant (also known as c.1A>C) is located in coding exon 1 of the GALNT12 gene and results from an A to C substitution at nucleotide position 1.This alters the methionine residue at the initiation codon (ATG). The c.1A>C alteration is expected to modify the initiation codon (ATG) resulting in either loss of translation initiation, N-terminal truncation, or cause a shift in the mRNA reading frame. The evidence for this gene-disease relationship is limited; therefore, the clinical significance of this alteration is unclear.

Institute for Clinical Genetics, University Hospital TU Dresden, University Hospital TU Dresden
Classification: Uncertain significance. Last evaluated: 2021-11-03. Review status: criteria provided, single submitter. Criteria: ACMG Guidelines, 2015. Collection method: clinical testing. Allele origin: germline.

Labcorp Genetics (formerly Invitae), Labcorp
Classification: Uncertain significance. Last evaluated: 2021-06-29. Review status: criteria provided, single submitter. Criteria: Invitae Variant Classification Sherloc (09022015). Collection method: clinical testing. Allele origin: germline.
Comment: In summary, the available evidence is currently insufficient to determine the role of this variant in disease. Therefore, it has been classified as a Variant of Uncertain Significance. Experimental studies have shown that disruption of the initiator codon affects GALNT12 protein function (PMID: 19617566). This variant has not been reported in the literature in individuals with GALNT12-related conditions. ClinVar contains an entry for this variant (Variation ID: 820494). The frequency data for this variant in the population databases is considered unreliable, as metrics indicate insufficient coverage at this position in the ExAC database. This sequence change affects the initiator methionine of the GALNT12 mRNA. The next in-frame methionine is located at codon 65.

Literature cited by the submitters: PubMed 19617566 (cited by Ambry Genetics and Labcorp Genetics (formerly Invitae), Labcorp).